The following is an entry in ClinVar:

ClinVar aggregate classification (germline): Uncertain significance. Review status: criteria provided, multiple submitters, no conflicts (2 of 4 stars). 2 submissions from 2 submitters: Uncertain significance (2). Last evaluated 2022-11-22.

Conditions:
Short-rib thoracic dysplasia 14 with polydactyly (SRTD14). Identifiers: Orphanet 397715, MedGen C4225286, MONDO:0014688, OMIM 616546.
Joubert syndrome 23 (JBTS23). Identifiers: Orphanet 475, MedGen C4084822, MONDO:0014664, OMIM 616490.

Allele frequency attached by ClinVar (database versions not stated): gnomAD 0.00008; 1000 Genomes Project 30x 0.00016; TOPMed 0.00018; 1000 Genomes Project 0.00020.
gnomAD v4.1: 22 of 1,533,708 alleles (0.0014%); highest among the groups gnomAD compares: Admixed American, 0.024%; no homozygotes.

Submissions (2):

Blueprint Genetics
Classification: Uncertain significance. Last evaluated: 2022-11-22. Review status: criteria provided, single submitter. Criteria: ACMG Guidelines, 2015. Collection method: clinical testing. Allele origin: germline.

Labcorp Genetics (formerly Invitae), Labcorp
Classification: Uncertain significance for Joubert syndrome 23; Short-rib thoracic dysplasia 14 with polydactyly. Last evaluated: 2022-11-01. Review status: criteria provided, single submitter. Criteria: Invitae Variant Classification Sherloc (09022015). Collection method: clinical testing. Allele origin: germline.
Comment: This sequence change replaces glutamic acid, which is acidic and polar, with valine, which is neutral and non-polar, at codon 997 of the KIAA0586 protein (p.Glu997Val). This variant is not present in population databases (gnomAD no frequency). This variant has not been reported in the literature in individuals affected with KIAA0586-related conditions. ClinVar contains an entry for this variant (Variation ID: 1427785). Advanced modeling of protein sequence and biophysical properties (such as structural, functional, and spatial information, amino acid conservation, physicochemical variation, residue mobility, and thermodynamic stability) performed at Invitae indicates that this missense variant is expected to disrupt KIAA0586 protein function. In summary, the available evidence is currently insufficient to determine the role of this variant in disease. Therefore, it has been classified as a Variant of Uncertain Significance.

NM_001329943.3(KIAA0586):c.2831A>T (p.Glu944Val)

Gene: KIAA0586 (KIAA0586; plus strand). Cytogenetic location: 14q23.1.
Variant type: single nucleotide variant.
Coding change: c.2831A>T on transcript NM_001329943.3 (MANE Select); coding-DNA position 2831, A replaced by T.
Protein change: p.Glu944Val; replaces glutamic acid 944 with valine.
Molecular consequence: missense variant.
Genome position (GRCh38, 1-based): chr14:58,477,128, A>T. VCF-style: chr14-58477128-A-T. GRCh37 (hg19) VCF-style: chr14-58943846-A-T.
Other names: c.2990A>T, p.Glu997Val (NM_001244189.2); c.2786A>T, p.Glu929Val (NM_001244190.2); c.2576A>T, p.Glu859Val (NM_001244191.2, NM_001329945.2, NM_001364700.1 and 1 more transcripts); c.2699A>T, p.Glu900Val (NM_001244192.2); c.2411A>T, p.Glu804Val (NM_001244193.2); c.2831A>T, p.Glu944Val (NM_001329944.2, NM_001329946.2, NM_001329947.2); c.2603A>T, p.Glu868Val (NM_014749.5); short protein forms E804V, E997V, E944V, E868V, E900V, E929V, E859V.
Identifiers: ClinVar variation 1427785 (VCV001427785.4), dbSNP rs181400417, ClinGen allele CA261642312.